The following is an entry in ClinVar:

NM_152594.3(SPRED1):c.581A>G (p.Gln194Arg)

Gene: SPRED1 (sprouty related EVH1 domain containing 1; plus strand). Cytogenetic location: 15q14.
Variant type: single nucleotide variant.
Coding change: c.581A>G on transcript NM_152594.3 (MANE Select); coding-DNA position 581, A replaced by G.
Protein change: p.Gln194Arg; replaces glutamine 194 with arginine.
Molecular consequence: missense variant.
Genome position (GRCh38, 1-based): chr15:38,339,894, A>G. VCF-style: chr15-38339894-A-G. GRCh37 (hg19) VCF-style: chr15-38632095-A-G.
Other names: short protein forms Q194R.
Identifiers: ClinVar variation 4174024 (VCV004174024.1).

ClinVar aggregate classification (germline): Uncertain significance (1 of 4 stars; one submission).

Conditions:
Cardiovascular phenotype. Identifiers: MedGen CN230736.

Submission:

Ambry Genetics
Classification: Uncertain significance for Cardiovascular phenotype. Last evaluated: 2025-06-20. Review status: criteria provided, single submitter. Criteria: Ambry Variant Classification Scheme 2023. Collection method: clinical testing. Allele origin: germline.
Comment: The p.Q194R variant (also known as c.581A>G), located in coding exon 5 of the SPRED1 gene, results from an A to G substitution at nucleotide position 581. The glutamine at codon 194 is replaced by arginine, an amino acid with highly similar properties. This amino acid position is conserved. In addition, this alteration is predicted to be tolerated by in silico analysis. Based on the available evidence, the clinical significance of this variant remains unclear.